The following is an entry in ClinVar:

ClinVar aggregate classification (germline): Likely benign. Review status: criteria provided, single submitter (1 of 4 stars). 2 submissions from 2 submitters: Likely benign (1). 1 of the submissions does not count toward it. Last evaluated 2023-12-27.

Conditions:
ABCB4-related disorder. Also called: ABCB4-related disorders; ABCB4-related condition.

Allele frequency attached by ClinVar (database versions not stated): gnomAD exomes below 0.00001; ExAC 0.00001.
gnomAD v4.1: 4 of 1,611,736 alleles (0.00025%); highest among the groups gnomAD compares: Middle Eastern, 0.017%; no homozygotes.

Submissions (2):

Labcorp Genetics (formerly Invitae), Labcorp
Classification: Likely benign. Last evaluated: 2023-12-27. Review status: criteria provided, single submitter. Criteria: Invitae Variant Classification Sherloc (09022015). Collection method: clinical testing. Allele origin: germline.

PreventionGenetics, part of Exact Sciences
Classification: Likely benign for ABCB4-related condition. Last evaluated: 2024-02-12. Review status: no assertion criteria provided. Collection method: clinical testing. Allele origin: germline. Not counted in ClinVar's aggregate classification.
Comment: This variant is classified as likely benign based on ACMG/AMP sequence variant interpretation guidelines (Richards et al. 2015 PMID: 25741868, with internal and published modifications).

NM_000443.4(ABCB4):c.309A>G (p.Leu103=)

Gene: ABCB4 (ATP binding cassette subfamily B member 4; minus strand). Cytogenetic location: 7q21.12.
Variant type: single nucleotide variant.
Coding change: c.309A>G on transcript NM_000443.4 (MANE Select); coding-DNA position 309, A replaced by G.
Protein change: p.Leu103=; no amino-acid change (leucine 103 retained).
Molecular consequence: synonymous variant.
Genome position (GRCh38, 1-based): chr7:87,454,570, T>C on the plus strand (A>G on the coding strand, the complement: ABCB4 is on the minus strand). VCF-style: chr7-87454570-T-C. GRCh37 (hg19) VCF-style: chr7-87083886-T-C.
Other names: c.309A>G, p.Leu103= (NM_018849.3, NM_018850.3); c.309A>G (NM_000443.3).
Identifiers: ClinVar variation 2985679 (VCV002985679.5), dbSNP rs778679830, ClinGen allele CA4327571.